The following is an entry in ClinVar:

NM_020693.4(DSCAML1):c.3568G>A (p.Val1190Ile)

Gene: DSCAML1 (DS cell adhesion molecule like 1; minus strand). Cytogenetic location: 11q23.3.
Variant type: single nucleotide variant.
Coding change: c.3568G>A on transcript NM_020693.4 (MANE Select); coding-DNA position 3568, G replaced by A.
Protein change: p.Val1190Ile; replaces valine 1190 with isoleucine.
Molecular consequence: missense variant.
Genome position (GRCh38, 1-based): chr11:117,458,754, C>T on the plus strand (G>A on the coding strand, the complement: DSCAML1 is on the minus strand). VCF-style: chr11-117458754-C-T. GRCh37 (hg19) VCF-style: chr11-117329470-C-T.
Other names: short protein forms V1190I.
Identifiers: ClinVar variation 1415088 (VCV001415088.6), dbSNP rs764697808, ClinGen allele CA6296658.

ClinVar aggregate classification (germline): Uncertain significance (1 of 4 stars; one submission).

Allele frequency attached by ClinVar (database versions not stated): gnomAD exomes 0.00003 and 0.00007; ExAC 0.00004; gnomAD 0.00005 and 0.00006.
gnomAD v4.1: 51 of 1,612,358 alleles (0.0032%); highest among the groups gnomAD compares: East Asian, 0.0022%; no homozygotes.

Submission:

Labcorp Genetics (formerly Invitae), Labcorp
Classification: Uncertain significance. Last evaluated: 2023-05-08. Review status: criteria provided, single submitter. Criteria: Invitae Variant Classification Sherloc (09022015). Collection method: clinical testing. Allele origin: germline.
Comment: This sequence change replaces valine, which is neutral and non-polar, with isoleucine, which is neutral and non-polar, at codon 1250 of the DSCAML1 protein (p.Val1250Ile). This variant also falls at the last nucleotide of exon 19, which is part of the consensus splice site for this exon. This variant is present in population databases (rs764697808, gnomAD 0.08%), and has an allele count higher than expected for a pathogenic variant. This variant has not been reported in the literature in individuals affected with DSCAML1-related conditions. ClinVar contains an entry for this variant (Variation ID: 1415088). Algorithms developed to predict the effect of missense changes on protein structure and function output the following: SIFT: "Not Available"; PolyPhen-2: "Benign"; Align-GVGD: "Not Available". The isoleucine amino acid residue is found in multiple mammalian species, which suggests that this missense change does not adversely affect protein function. Variants that disrupt the consensus splice site are a relatively common cause of aberrant splicing (PMID: 17576681, 9536098). In summary, the available evidence is currently insufficient to determine the role of this variant in disease. Therefore, it has been classified as a Variant of Uncertain Significance.

Literature cited by the submitters: PubMed 17576681; PubMed 9536098.